The following is an entry in ClinVar:

NM_001282531.3(ADNP):c.907A>G (p.Met303Val)

Gene: ADNP (activity dependent neuroprotector homeobox; minus strand). Cytogenetic location: 20q13.13.
Variant type: single nucleotide variant.
Coding change: c.907A>G on transcript NM_001282531.3 (MANE Select); coding-DNA position 907, A replaced by G.
Protein change: p.Met303Val; replaces methionine 303 with valine.
Molecular consequence: missense variant.
Genome position (GRCh38, 1-based): chr20:50,893,807, T>C on the plus strand (A>G on the coding strand, the complement: ADNP is on the minus strand). VCF-style: chr20-50893807-T-C. GRCh37 (hg19) VCF-style: chr20-49510344-T-C.
Other names: c.907A>G, p.Met303Val (NM_001282532.2, NM_001347511.2, NM_015339.5 and 1 more transcripts); short protein forms M303V.
Identifiers: ClinVar variation 2429003 (VCV002429003.7), dbSNP rs1026060253, ClinGen allele CA315258101.

ClinVar aggregate classification (germline): Uncertain significance. Review status: criteria provided, multiple submitters, no conflicts (2 of 4 stars). 3 submissions from 3 submitters: Uncertain significance (3). Last evaluated 2025-02-23.

Conditions:
ADNP-related multiple congenital anomalies - intellectual disability - autism spectrum disorder. Also called: Helsmoortel-Van der Aa Syndrome; ADNP-Related Helsmoortel-Van der Aa Syndrome. Identifiers: Orphanet 404448, MedGen C4014538, MONDO:0014379, OMIM 615873. Disease mechanism: loss of function.

Allele frequency attached by ClinVar (database versions not stated): gnomAD 0.00001; gnomAD exomes 0.00001; TOPMed 0.00001.
gnomAD v4.1: 12 of 1,614,070 alleles (0.00074%); highest among the groups gnomAD compares: African/African-American, 0.0013%; no homozygotes.

Submissions (3):

Labcorp Genetics (formerly Invitae), Labcorp
Classification: Uncertain significance. Last evaluated: 2025-02-23. Review status: criteria provided, single submitter. Criteria: Invitae Variant Classification Sherloc (09022015). Collection method: clinical testing. Allele origin: germline.
Comment: This sequence change replaces methionine, which is neutral and non-polar, with valine, which is neutral and non-polar, at codon 303 of the ADNP protein (p.Met303Val). This variant is not present in population databases (gnomAD no frequency). This variant has not been reported in the literature in individuals affected with ADNP-related conditions. ClinVar contains an entry for this variant (Variation ID: 2429003). An algorithm developed to predict the effect of missense changes on protein structure and function (PolyPhen-2) suggests that this variant is likely to be tolerated. In summary, the available evidence is currently insufficient to determine the role of this variant in disease. Therefore, it has been classified as a Variant of Uncertain Significance.

Greenwood Genetic Center Diagnostic Laboratories, Greenwood Genetic Center
Classification: Uncertain significance. Last evaluated: 2022-11-22. Review status: criteria provided, single submitter. Criteria: ACMG Guidelines, 2015. Collection method: clinical testing. Allele origin: germline. Affected: yes.
Comment: PM2

Revvity Omics, Revvity
Classification: Uncertain significance for ADNP-related multiple congenital anomalies - intellectual disability - autism spectrum disorder. Last evaluated: 2020-07-08. Review status: criteria provided, single submitter. Criteria: ACMG Guidelines, 2015. Collection method: clinical testing. Allele origin: germline.